The following is an entry in ClinVar:

NM_181552.4(CUX1):c.2319C>T (p.Ala773=)

Gene: CUX1 (cut like homeobox 1; plus strand). Cytogenetic location: 7q22.1.
Variant type: single nucleotide variant.
Coding change: c.2319C>T on transcript NM_181552.4 (MANE Select); coding-DNA position 2319, C replaced by T.
Protein change: p.Ala773=; no amino-acid change (alanine 773 retained).
Molecular consequence: synonymous variant. On other transcripts: intron variant (5).
Genome position (GRCh38, 1-based): chr7:102,201,616, C>T. VCF-style: chr7-102201616-C-T. GRCh37 (hg19) VCF-style: chr7-101844896-C-T.
Other names: c.2352C>T, p.Ala784= (NM_001202543.2); c.1255+6013C>T (NM_001913.5); c.1249+6013C>T (NM_181500.4); c.1117+6013C>T (NM_001202545.3); c.1207+6013C>T (NM_001202544.3); c.1138+6013C>T (NM_001202546.3).
Identifiers: ClinVar variation 4821753 (VCV004821753.4).

ClinVar aggregate classification (germline): Likely benign (1 of 4 stars; one submission).

gnomAD v4.1: 26 of 1,613,868 alleles (0.0016%); highest among the groups gnomAD compares: Admixed American, 0.023%; no homozygotes.

Submission:

CeGaT Center for Human Genetics Tuebingen
Classification: Likely benign. Last evaluated: 2026-02-01. Review status: criteria provided, single submitter. Criteria: CeGaT Center For Human Genetics Tuebingen Variant Classification Criteria Version 2. Collection method: clinical testing. Allele origin: germline. Affected: yes. Observed: 1 variant allele.
Comment: CUX1: BP4, BP7